The following is an entry in ClinVar:

ClinVar aggregate classification (germline): Uncertain significance (1 of 4 stars; one submission).

Conditions:
Cardiovascular phenotype. Identifiers: MedGen CN230736.

Submission:

Ambry Genetics
Classification: Uncertain significance for Cardiovascular phenotype. Last evaluated: 2021-04-14. Review status: criteria provided, single submitter. Criteria: Ambry Variant Classification Scheme 2023. Collection method: clinical testing. Allele origin: germline.
Comment: The c.307-4T>C intronic variant results from a T to C substitution 4 nucleotides upstream from coding exon 3 in the AKAP9 gene. This nucleotide position is highly conserved in available vertebrate species. In silico splice site analysis predicts that this alteration will not have any significant effect on splicing. Since supporting evidence is limited at this time, the clinical significance of this alteration remains unclear.

NM_005751.5(AKAP9):c.307-4T>C

Gene: AKAP9 (A-kinase anchoring protein 9; plus strand). Cytogenetic location: 7q21.2.
Variant type: single nucleotide variant.
Coding change: c.307-4T>C on transcript NM_005751.5 (MANE Select); 4 bases into the intron before coding-DNA position 307, T replaced by C.
Molecular consequence: intron variant.
Genome position (GRCh38, 1-based): chr7:91,980,285, T>C. VCF-style: chr7-91980285-T-C. GRCh37 (hg19) VCF-style: chr7-91609599-T-C.
Other names: c.307-4T>C (NM_147185.3).
Identifiers: ClinVar variation 1727295 (VCV001727295.2), dbSNP rs2484622586, ClinGen allele CA2580077437.